The following is an entry in ClinVar:

NM_005084.4(PLA2G7):c.193G>A (p.Val65Ile)

Gene: PLA2G7 (phospholipase A2 group VII; minus strand). Cytogenetic location: 6p12.3.
Variant type: single nucleotide variant.
Coding change: c.193G>A on transcript NM_005084.4 (MANE Select); coding-DNA position 193, G replaced by A.
Protein change: p.Val65Ile; replaces valine 65 with isoleucine.
Molecular consequence: missense variant.
Genome position (GRCh38, 1-based): chr6:46,717,013, C>T on the plus strand (G>A on the coding strand, the complement: PLA2G7 is on the minus strand). VCF-style: chr6-46717013-C-T. GRCh37 (hg19) VCF-style: chr6-46684750-C-T.
Other names: c.193G>A, p.Val65Ile (NM_001168357.2); short protein forms V65I.
Identifiers: ClinVar variation 1050414 (VCV001050414.1), dbSNP rs767724546, ClinGen allele CA3840480.

ClinVar aggregate classification (germline): Uncertain significance (0 of 4 stars; one submission).

gnomAD v4.1: 69 of 1,613,286 alleles (0.0043%); highest among the groups gnomAD compares: Middle Eastern, 0.033%; no homozygotes.

Submission:

Department of Pathology and Laboratory Medicine, Sinai Health System
Classification: Uncertain significance. Review status: no assertion criteria provided. Collection method: clinical testing. Allele origin: unknown. Affected: yes. Study: The Canadian Open Genetics Repository (COGR).
Comment: The PLA2G7 p.Val65Ile variant was not identified in the literature nor was it identified in ClinVar. The variant was identified in dbSNP (ID: rs767724546) and in control databases in 16 of 282806 chromosomes at a frequency of 0.00005658 (Genome Aggregation Database March 6, 2019, v2.1.1). The variant was observed in the following populations: European (non-Finnish) in 13 of 129116 chromosomes (freq: 0.000101) and Latino in 3 of 35440 chromosomes (freq: 0.000085), but was not observed in the African, Ashkenazi Jewish, East Asian, European (Finnish), Other, or South Asian populations. The p.Val65 residue is conserved in mammals and computational analyses (PolyPhen-2, SIFT, AlignGVGD, BLOSUM, MutationTaster) provide inconsistent predictions regarding the impact to the protein; this information is not very predictive of pathogenicity. The variant occurs outside of the splicing consensus sequence and in silico or computational prediction software programs (SpliceSiteFinder, MaxEntScan, NNSPLICE, GeneSplicer) do not predict a difference in splicing. In summary, based on the above information the clinical significance of this variant cannot be determined with certainty at this time. This variant is classified as a variant of uncertain significance.